The following is an entry in ClinVar:

NM_001429.4(EP300):c.2720C>T (p.Ala907Val)

Gene: EP300 (EP300 lysine acetyltransferase; plus strand). Cytogenetic location: 22q13.2.
Variant type: single nucleotide variant.
Coding change: c.2720C>T on transcript NM_001429.4 (MANE Select); coding-DNA position 2720, C replaced by T.
Protein change: p.Ala907Val; replaces alanine 907 with valine.
Molecular consequence: missense variant.
Genome position (GRCh38, 1-based): chr22:41,150,101, C>T. VCF-style: chr22-41150101-C-T. GRCh37 (hg19) VCF-style: chr22-41546105-C-T.
Other names: c.2642C>T, p.Ala881Val (NM_001362843.2); c.2720C>T (NM_001429.3); short protein forms A881V, A907V.
Identifiers: ClinVar variation 2050597 (VCV002050597.4), dbSNP rs757344870, ClinGen allele CA10252924.

ClinVar aggregate classification (germline): Uncertain significance. Review status: criteria provided, multiple submitters, no conflicts (2 of 4 stars). 2 submissions from 2 submitters: Uncertain significance (2). Last evaluated 2025-12-03.

Conditions:
EP300-related disorder. Also called: EP300-related condition; EP300-related disorders.
Rubinstein-Taybi syndrome due to EP300 haploinsufficiency. Also called: EP300-Related Rubinstein-Taybi Syndrome; RUBINSTEIN-TAYBI SYNDROME 2. Identifiers: Orphanet 353284, Orphanet 783, MedGen C3150941, MONDO:0013364, OMIM 613684.

gnomAD v4.1: 11 of 1,613,338 alleles (0.00068%); highest among the groups gnomAD compares: African/African-American, 0.0013%; no homozygotes.

Submissions (2):

PreventionGenetics, part of Exact Sciences
Classification: Uncertain significance for EP300-related condition. Last evaluated: 2025-12-03. Review status: criteria provided, single submitter. Criteria: ACMG Guidelines, 2015. Collection method: clinical testing. Allele origin: germline.
Comment: The EP300 c.2720C>T variant is predicted to result in the amino acid substitution p.Ala907Val. To our knowledge, this variant has not been reported in the literature or in a large population database (gnomAD), indicating this variant is rare. At this time, the clinical significance of this variant is uncertain due to the absence of conclusive functional and genetic evidence.

Labcorp Genetics (formerly Invitae), Labcorp
Classification: Uncertain significance for Rubinstein-Taybi syndrome due to EP300 haploinsufficiency. Last evaluated: 2025-10-21. Review status: criteria provided, single submitter. Criteria: Invitae Variant Classification Sherloc (09022015). Collection method: clinical testing. Allele origin: germline.
Comment: This sequence change replaces alanine, which is neutral and non-polar, with valine, which is neutral and non-polar, at codon 907 of the EP300 protein (p.Ala907Val). This variant is not present in population databases (gnomAD no frequency). This variant has not been reported in the literature in individuals affected with EP300-related conditions. ClinVar contains an entry for this variant (Variation ID: 2050597). Invitae Evidence Modeling of protein sequence and biophysical properties (such as structural, functional, and spatial information, amino acid conservation, physicochemical variation, residue mobility, and thermodynamic stability) indicates that this missense variant is not expected to disrupt EP300 protein function with a negative predictive value of 80%. In summary, the available evidence is currently insufficient to determine the role of this variant in disease. Therefore, it has been classified as a Variant of Uncertain Significance.